The following is an entry in ClinVar:

ClinVar aggregate classification (germline): Uncertain significance (1 of 4 stars; one submission).

Conditions:
Hereditary pancreatitis (PCTT). Also called: Hereditary chronic pancreatitis; PRSS1-Related Hereditary Pancreatitis. Identifiers: Orphanet 676, MedGen C0238339, MONDO:0008185, OMIM 167800.

Submission:

Labcorp Genetics (formerly Invitae), Labcorp
Classification: Uncertain significance for Hereditary pancreatitis. Last evaluated: 2025-01-28. Review status: criteria provided, single submitter. Criteria: Invitae Variant Classification Sherloc (09022015). Collection method: clinical testing. Allele origin: germline.
Comment: This sequence change replaces cysteine, which is neutral and slightly polar, with serine, which is neutral and polar, at codon 59 of the CTRC protein (p.Cys59Ser). This variant is not present in population databases (gnomAD no frequency). This variant has not been reported in the literature in individuals affected with CTRC-related conditions. Invitae Evidence Modeling of protein sequence and biophysical properties (such as structural, functional, and spatial information, amino acid conservation, physicochemical variation, residue mobility, and thermodynamic stability) has been performed for this missense variant. However, the output from this modeling did not meet the statistical confidence thresholds required to predict the impact of this variant on CTRC protein function. In summary, the available evidence is currently insufficient to determine the role of this variant in disease. Therefore, it has been classified as a Variant of Uncertain Significance.

NM_007272.3(CTRC):c.176G>C (p.Cys59Ser)

Gene: CTRC (chymotrypsin C; plus strand). Cytogenetic location: 1p36.21.
Variant type: single nucleotide variant.
Coding change: c.176G>C on transcript NM_007272.3 (MANE Select); coding-DNA position 176, G replaced by C.
Protein change: p.Cys59Ser; replaces cysteine 59 with serine.
Molecular consequence: missense variant.
Genome position (GRCh38, 1-based): chr1:15,440,536, G>C. VCF-style: chr1-15440536-G-C. GRCh37 (hg19) VCF-style: chr1-15767032-G-C.
Other names: short protein forms C59S.
Identifiers: ClinVar variation 3623883 (VCV003623883.2).